The following is an entry in ClinVar:

NM_000303.3(PMM2):c.721T>C (p.Cys241Arg)

Gene: PMM2 (phosphomannomutase 2; plus strand). Cytogenetic location: 16p13.2.
Variant type: single nucleotide variant.
Coding change: c.721T>C on transcript NM_000303.3 (MANE Select); coding-DNA position 721, T replaced by C.
Protein change: p.Cys241Arg; replaces cysteine 241 with arginine.
Molecular consequence: missense variant.
Genome position (GRCh38, 1-based): chr16:8,847,805, T>C. VCF-style: chr16-8847805-T-C. GRCh37 (hg19) VCF-style: chr16-8941662-T-C.
Other names: short protein forms C241R.
Identifiers: ClinVar variation 2847057 (VCV002847057.3), dbSNP rs2549161484, ClinGen allele CA394689687.

ClinVar aggregate classification (germline): Likely pathogenic (1 of 4 stars; one submission).

Conditions:
PMM2-congenital disorder of glycosylation. Also called: PMM2-CDG; CDG Ia; JAEKEN SYNDROME; PHOSPHOMANNOMUTASE 2 DEFICIENCY; CARBOHYDRATE-DEFICIENT GLYCOPROTEIN SYNDROME, TYPE Ia; Congenital disorder of glycosylation, type Ia. Identifiers: Orphanet 79318, MedGen C0349653, MONDO:0008907, OMIM 212065.

Submission:

Labcorp Genetics (formerly Invitae), Labcorp
Classification: Likely pathogenic for PMM2-congenital disorder of glycosylation. Last evaluated: 2023-03-18. Review status: criteria provided, single submitter. Criteria: Invitae Variant Classification Sherloc (09022015). Collection method: clinical testing. Allele origin: germline.
Comment: This sequence change replaces cysteine, which is neutral and slightly polar, with arginine, which is basic and polar, at codon 241 of the PMM2 protein (p.Cys241Arg). This variant is not present in population databases (gnomAD no frequency). In summary, the currently available evidence indicates that the variant is pathogenic, but additional data are needed to prove that conclusively. Therefore, this variant has been classified as Likely Pathogenic. This variant disrupts the p.Cys241 amino acid residue in PMM2. Other variant(s) that disrupt this residue have been determined to be pathogenic (PMID: 11156536, 11715002, 15844218, 21541725, 25355454). This suggests that this residue is clinically significant, and that variants that disrupt this residue are likely to be disease-causing. Advanced modeling of protein sequence and biophysical properties (such as structural, functional, and spatial information, amino acid conservation, physicochemical variation, residue mobility, and thermodynamic stability) performed at Invitae indicates that this missense variant is expected to disrupt PMM2 protein function. This variant has not been reported in the literature in individuals affected with PMM2-related conditions.

Literature cited by the submitters: PubMed 11156536; PubMed 11715002; PubMed 15844218; PubMed 21541725; PubMed 25355454.